The following is an entry in ClinVar:

NM_001378615.1(CC2D2A):c.2774G>A (p.Arg925Gln)

Genes: CC2D2A (coiled-coil and C2 domain containing 2A; plus strand), FBXL5 (F-box and leucine rich repeat protein 5; minus strand). Cytogenetic location: 4p15.32.
Variant type: single nucleotide variant.
Coding change: c.2774G>A on transcript NM_001378615.1 (MANE Select); coding-DNA position 2774, G replaced by A.
Protein change: p.Arg925Gln; replaces arginine 925 with glutamine.
Molecular consequence: missense variant.
Genome position (GRCh38, 1-based): chr4:15,557,452, G>A. VCF-style: chr4-15557452-G-A. GRCh37 (hg19) VCF-style: chr4-15559075-G-A.
Other names: c.2774G>A, p.Arg925Gln (NM_001080522.2); c.2627G>A, p.Arg876Gln (NM_001378617.1); short protein forms R925Q, R876Q.
Identifiers: ClinVar variation 498038 (VCV000498038.20), dbSNP rs200707391, ClinGen allele CA2864001.

ClinVar aggregate classification (germline): Conflicting classifications of pathogenicity. Review status: criteria provided, conflicting classifications (1 of 4 stars). 6 submissions from 6 submitters: Uncertain significance (3); Likely benign (2). 1 of the submissions does not count toward it. Last evaluated 2026-01-16.

Conditions:
CC2D2A-related disorder. Also called: CC2D2A-related condition; CC2D2A-related disorders. Identifiers: MedGen CN239313.
Meckel-Gruber syndrome. Also called: Dysencephalia splachnocystica; DYSENCEPHALIA SPLANCHNOCYSTICA; GRUBER SYNDROME. Identifiers: Orphanet 564, MedGen C0265215, MONDO:0018921.
Joubert syndrome. Also called: JOUBERT-BOLTSHAUSER SYNDROME; Familial aplasia of the vermis. Identifiers: Orphanet 475, MedGen C5979921, MONDO:0018772.
Meckel syndrome, type 6. Identifiers: Orphanet 564, MedGen C2676790, MONDO:0012848, OMIM 612284.

Allele frequency attached by ClinVar (database versions not stated): 1000 Genomes Project 0.00040; TOPMed 0.00057; gnomAD 0.00061; 1000 Genomes Project 30x 0.00062; ESP Exome Variant Server 0.00076.
gnomAD v4.1: 268 of 1,612,614 alleles (0.017%); highest among the groups gnomAD compares: African/African-American, 0.2%; no homozygotes.

Submissions (6):

Labcorp Genetics (formerly Invitae), Labcorp
Classification: Likely benign for Joubert syndrome; Meckel-Gruber syndrome. Last evaluated: 2026-01-16. Review status: criteria provided, single submitter. Criteria: Invitae Variant Classification Sherloc (09022015). Collection method: clinical testing. Allele origin: germline.

Blueprint Genetics
Classification: Likely benign. Last evaluated: 2024-06-12. Review status: criteria provided, single submitter. Criteria: ACMG Guidelines, 2015. Collection method: clinical testing. Allele origin: germline.

GeneDx
Classification: Uncertain significance. Last evaluated: 2023-08-04. Review status: criteria provided, single submitter. Criteria: GeneDx Variant Classification Process June 2021. Collection method: clinical testing. Allele origin: germline. Affected: yes.
Comment: In silico analysis supports that this missense variant has a deleterious effect on protein structure/function; Has not been previously published as pathogenic or benign germline variant to our knowledge; This variant is associated with the following publications: (PMID: 30267408, 24292195)

Eurofins Ntd Llc (ga)
Classification: Uncertain significance. Last evaluated: 2018-04-06. Review status: criteria provided, single submitter. Criteria: EGL ClinVar v180209 classification definitions. Collection method: clinical testing. Allele origin: germline. Observed: 4 variant alleles, 4 heterozygotes.

Neuberg Centre For Genomic Medicine, NCGM
Classification: Uncertain significance for Meckel syndrome, type 6. Review status: criteria provided, single submitter. Criteria: ACMG Guidelines, 2015. Collection method: clinical testing. Allele origin: germline. Inheritance: Autosomal recessive inheritance. Affected: yes.
Comment: The missense c.2774G>A p.Arg925Gln variant in CC2D2A gene has not been reported previously as a pathogenic variant nor as a benign variant, to our knowledge. The p.Arg925Gln variant is reported with an allele frequency of 0.02% in the gnomAD exomes database. This variant has been reported to the ClinVar database as Likely Benign / Uncertain Significance. The amino acid change p.Arg925Gln in CC2D2A is predicted as conserved by GERP++ and PhyloP across 100 vertebrates. The amino acid Arg at position 925 is changed to a Gln changing protein sequence and it might alter its composition and physico-chemical properties. For these reasons, this variant has been classified as a Variant of Uncertain Significance VUS.

PreventionGenetics, part of Exact Sciences
Classification: Likely benign for CC2D2A-related condition. Last evaluated: 2022-08-17. Review status: no assertion criteria provided. Collection method: clinical testing. Allele origin: germline. Not counted in ClinVar's aggregate classification.
Comment: This variant is classified as likely benign based on ACMG/AMP sequence variant interpretation guidelines (Richards et al. 2015 PMID: 25741868, with internal and published modifications).